The following is an entry in ClinVar:

ClinVar aggregate classification (germline): Uncertain significance (1 of 4 stars; one submission).

Conditions:
Carnitine palmitoyltransferase II deficiency. Also called: Carnitine Palmitoyltransferase 2 Deficiency. Identifiers: Orphanet 157, MedGen C0342790, MONDO:0015515.

Allele frequency attached by ClinVar (database versions not stated): ExAC 0.00002.
gnomAD v4.1: 1 of 1,614,150 alleles (0.000062%); highest among the groups gnomAD compares: Non-Finnish European, 0.000085%; no homozygotes.

Submission:

Labcorp Genetics (formerly Invitae), Labcorp
Classification: Uncertain significance for Carnitine palmitoyltransferase II deficiency. Last evaluated: 2025-08-21. Review status: criteria provided, single submitter. Criteria: Invitae Variant Classification Sherloc (09022015). Collection method: clinical testing. Allele origin: germline.
Comment: This sequence change replaces serine, which is neutral and polar, with arginine, which is basic and polar, at codon 309 of the CPT2 protein (p.Ser309Arg). This variant is present in population databases (rs780168485, gnomAD 0.0009%). This variant has not been reported in the literature in individuals affected with CPT2-related conditions. ClinVar contains an entry for this variant (Variation ID: 641699). Invitae Evidence Modeling of protein sequence and biophysical properties (such as structural, functional, and spatial information, amino acid conservation, physicochemical variation, residue mobility, and thermodynamic stability) indicates that this missense variant is not expected to disrupt CPT2 protein function with a negative predictive value of 80%. In summary, the available evidence is currently insufficient to determine the role of this variant in disease. Therefore, it has been classified as a Variant of Uncertain Significance.

NM_000098.3(CPT2):c.927T>A (p.Ser309Arg)

Gene: CPT2 (carnitine palmitoyltransferase 2; plus strand). Cytogenetic location: 1p32.3.
Variant type: single nucleotide variant.
Coding change: c.927T>A on transcript NM_000098.3 (MANE Select); coding-DNA position 927, T replaced by A.
Protein change: p.Ser309Arg; replaces serine 309 with arginine.
Molecular consequence: missense variant.
Genome position (GRCh38, 1-based): chr1:53,210,601, T>A. VCF-style: chr1-53210601-T-A. GRCh37 (hg19) VCF-style: chr1-53676273-T-A.
Other names: c.927T>A, p.Ser309Arg (NM_001330589.2); short protein forms S309R.
Identifiers: ClinVar variation 641699 (VCV000641699.5), dbSNP rs780168485, ClinGen allele CA859083.